The following is an entry in ClinVar:

NM_031935.3(HMCN1):c.9101C>T (p.Thr3034Ile)

Gene: HMCN1 (hemicentin 1; plus strand). Cytogenetic location: 1q31.1.
Variant type: single nucleotide variant.
Coding change: c.9101C>T on transcript NM_031935.3 (MANE Select); coding-DNA position 9101, C replaced by T.
Protein change: p.Thr3034Ile; replaces threonine 3034 with isoleucine.
Molecular consequence: missense variant.
Genome position (GRCh38, 1-based): chr1:186,087,271, C>T. VCF-style: chr1-186087271-C-T. GRCh37 (hg19) VCF-style: chr1-186056403-C-T.
Other names: short protein forms T3034I.
Identifiers: ClinVar variation 2195011 (VCV002195011.4), dbSNP rs141679462, ClinGen allele CA1293322.

ClinVar aggregate classification (germline): Uncertain significance (1 of 4 stars; one submission).

Allele frequency attached by ClinVar (database versions not stated): gnomAD exomes 0.00001; TOPMed 0.00001; ExAC 0.00002; ESP Exome Variant Server 0.00015.
gnomAD v4.1: 7 of 1,613,272 alleles (0.00043%); highest among the groups gnomAD compares: South Asian, 0.0011%; no homozygotes.

Submission:

Labcorp Genetics (formerly Invitae), Labcorp
Classification: Uncertain significance. Last evaluated: 2024-12-10. Review status: criteria provided, single submitter. Criteria: Invitae Variant Classification Sherloc (09022015). Collection method: clinical testing. Allele origin: germline.
Comment: This sequence change replaces threonine, which is neutral and polar, with isoleucine, which is neutral and non-polar, at codon 3034 of the HMCN1 protein (p.Thr3034Ile). This variant is present in population databases (rs141679462, gnomAD 0.003%). This variant has not been reported in the literature in individuals affected with HMCN1-related conditions. ClinVar contains an entry for this variant (Variation ID: 2195011). An algorithm developed to predict the effect of missense changes on protein structure and function (PolyPhen-2) suggests that this variant is likely to be disruptive. In summary, the available evidence is currently insufficient to determine the role of this variant in disease. Therefore, it has been classified as a Variant of Uncertain Significance.